The following is an entry in ClinVar:

ClinVar aggregate classification (germline): Uncertain significance (1 of 4 stars; one submission).

Conditions:
WDPCP-related disorder. Also called: WDPCP-related condition.

Submission:

PreventionGenetics, part of Exact Sciences
Classification: Uncertain significance for WDPCP-related condition. Last evaluated: 2025-07-20. Review status: criteria provided, single submitter. Criteria: ACMG Guidelines, 2015. Collection method: clinical testing. Allele origin: germline.
Comment: The WDPCP c.1882C>G variant is predicted to result in the amino acid substitution p.His628Asp. To our knowledge, this variant has not been reported in the literature or in a large population database (gnomAD), indicating this variant is rare. At this time, the clinical significance of this variant is uncertain due to the absence of conclusive functional and genetic evidence.

NM_015910.7(WDPCP):c.1748+18443C>G

Gene: WDPCP (WD repeat containing planar cell polarity effector; minus strand). Cytogenetic location: 2p15.
Variant type: single nucleotide variant.
Coding change: c.1748+18443C>G on transcript NM_015910.7 (MANE Select); 18443 bases into the intron after coding-DNA position 1748, C replaced by G.
Molecular consequence: intron variant. On other transcripts: missense variant (1).
Genome position (GRCh38, 1-based): chr2:63,359,943, G>C on the plus strand (C>G on the coding strand, the complement: WDPCP is on the minus strand). VCF-style: chr2-63359943-G-C. GRCh37 (hg19) VCF-style: chr2-63587078-G-C.
Other names: c.1882C>G, p.His628Asp (NM_001354045.2); c.1676+18443C>G (NM_001354044.2); c.1271+18443C>G (NM_001042692.3); short protein forms H628D.
Identifiers: ClinVar variation 4997931 (VCV004997931.1).